The following is an entry in ClinVar:

ClinVar aggregate classification (germline): Likely benign (1 of 4 stars; one submission).

Allele frequency attached by ClinVar (database versions not stated): gnomAD exomes 0.00001; TOPMed below 0.00001; gnomAD 0.00001.
gnomAD v4.1: 8 of 1,613,108 alleles (0.0005%); highest among the groups gnomAD compares: Non-Finnish European, 0.00068%; no homozygotes.

Submission:

GeneDx
Classification: Likely benign. Last evaluated: 2016-11-04. Review status: criteria provided, single submitter. Criteria: GeneDx Variant Classification (06012015). Collection method: clinical testing. Allele origin: germline. Affected: yes.
Comment: This variant is considered likely benign or benign based on one or more of the following criteria: it is a conservative change, it occurs at a poorly conserved position in the protein, it is predicted to be benign by multiple in silico algorithms, and/or has population frequency not consistent with disease.

NM_015443.4(KANSL1):c.2724+17T>C

Gene: KANSL1 (KAT8 regulatory NSL complex subunit 1). Cytogenetic location: 17q21.31.
Variant type: single nucleotide variant.
Coding change: c.2724+17T>C on transcript NM_015443.4 (MANE Select); 17 bases into the intron after coding-DNA position 2724, T replaced by C.
Molecular consequence: intron variant.
Genome position (GRCh38, 1-based): chr17:46,033,386, A>G on the plus strand (T>C on the coding strand, the complement: KANSL1 is on the minus strand). VCF-style: chr17-46033386-A-G. GRCh37 (hg19) VCF-style: chr17-44110752-A-G.
Other names: c.2721+17T>C (NM_001193465.2); c.2724+17T>C (NM_001379198.1, NM_001193466.2).
Identifiers: ClinVar variation 390670 (VCV000390670.1), dbSNP rs1057523856, ClinGen allele CA16608487.